The following is an entry in ClinVar:

NM_001367624.2(ZNF469):c.11513C>T (p.Pro3838Leu)

Gene: ZNF469 (zinc finger protein 469; plus strand). Cytogenetic location: 16q24.2.
Variant type: single nucleotide variant.
Coding change: c.11513C>T on transcript NM_001367624.2 (MANE Select); coding-DNA position 11513, C replaced by T.
Protein change: p.Pro3838Leu; replaces proline 3838 with leucine.
Molecular consequence: missense variant.
Genome position (GRCh38, 1-based): chr16:88,438,983, C>T. VCF-style: chr16-88438983-C-T. GRCh37 (hg19) VCF-style: chr16-88505391-C-T.
Other names: NM_001127464.1:c.11429C>T; short protein forms P3838L.
Identifiers: ClinVar variation 2626136 (VCV002626136.2), dbSNP rs953595228, ClinGen allele CA286388163.

ClinVar aggregate classification (germline): Uncertain significance (1 of 4 stars; one submission).

Conditions:
Cardiovascular phenotype. Identifiers: MedGen CN230736.

Allele frequency attached by ClinVar (database versions not stated): TOPMed below 0.00001; gnomAD 0.00001; gnomAD exomes 0.00002.
gnomAD v4.1: 26 of 1,550,286 alleles (0.0017%); highest among the groups gnomAD compares: Non-Finnish European, 0.0022%; no homozygotes.

Submission:

Ambry Genetics
Classification: Uncertain significance for Cardiovascular phenotype. Last evaluated: 2023-09-01. Review status: criteria provided, single submitter. Criteria: Ambry Variant Classification Scheme 2023. Collection method: clinical testing. Allele origin: germline.
Comment: The p.P3810L variant (also known as c.11429C>T), located in coding exon 2 of the ZNF469 gene, results from a C to T substitution at nucleotide position 11429. The proline at codon 3810 is replaced by leucine, an amino acid with similar properties. This amino acid position is conserved. In addition, this alteration is predicted to be tolerated by in silico analysis. Since supporting evidence is limited at this time, the clinical significance of this alteration remains unclear.